The following is an entry in ClinVar:

NM_017514.5(PLXNA3):c.1447-8G>T

Gene: PLXNA3 (plexin A3; plus strand). Cytogenetic location: Xq28.
Variant type: single nucleotide variant.
Coding change: c.1447-8G>T on transcript NM_017514.5 (MANE Select); 8 bases into the intron before coding-DNA position 1447, G replaced by T.
Molecular consequence: intron variant.
Genome position (GRCh38, 1-based): chrX:154,463,582, G>T. VCF-style: chrX-154463582-G-T. GRCh37 (hg19) VCF-style: chrX-153691925-G-T.
Identifiers: ClinVar variation 3356950 (VCV003356950.1).

ClinVar aggregate classification (germline): Likely benign (0 of 4 stars; one submission).

Conditions:
PLXNA3-related disorder. Also called: PLXNA3-related condition.

Submission:

PreventionGenetics, part of Exact Sciences
Classification: Likely benign for PLXNA3-related condition. Last evaluated: 2021-06-27. Review status: no assertion criteria provided. Collection method: clinical testing. Allele origin: germline.
Comment: This variant is classified as likely benign based on ACMG/AMP sequence variant interpretation guidelines (Richards et al. 2015 PMID: 25741868, with internal and published modifications).